The following is an entry in ClinVar:

NM_000059.4(BRCA2):c.413G>T (p.Cys138Phe)

Gene: BRCA2 (BRCA2 DNA repair associated; plus strand). Cytogenetic location: 13q13.1.
Variant type: single nucleotide variant.
Coding change: c.413G>T on transcript NM_000059.4 (MANE Select); coding-DNA position 413, G replaced by T.
Protein change: p.Cys138Phe; replaces cysteine 138 with phenylalanine.
Molecular consequence: missense variant.
Genome position (GRCh38, 1-based): chr13:32,325,172, G>T. VCF-style: chr13-32325172-G-T. GRCh37 (hg19) VCF-style: chr13-32899309-G-T.
Other names: p.C138F:TGT>TTT; 641G>T; short protein forms C138F.
Identifiers: ClinVar variation 37882 (VCV000037882.25), dbSNP rs397507324, ClinGen allele CA019594.

ClinVar aggregate classification (germline): Uncertain significance. Review status: criteria provided, multiple submitters, no conflicts (2 of 4 stars). 8 submissions from 8 submitters: Uncertain significance (7). 1 of the submissions does not count toward it. Last evaluated 2026-01-19.

Conditions:
Hereditary cancer-predisposing syndrome. Also called: Tumor predisposition; Neoplastic Syndromes, Hereditary; Hereditary neoplastic syndrome; Hereditary Cancer Syndrome. Identifiers: Orphanet 140162, MedGen C0027672, MeSH D009386, MONDO:0015356.
Hereditary breast ovarian cancer syndrome. Also called: Hereditary breast and ovarian cancer; Hereditary breast and ovarian cancer syndrome (HBOC); Hereditary breast and/or ovarian cancer syndrome; Breast and ovarian cancer; Hereditary breast and ovarian cancer syndrome; BRCA1- and BRCA2-Associated Hereditary Breast and Ovarian Cancer. Identifiers: Orphanet 145, MedGen C0677776, MeSH D061325, MONDO:0003582. Disease mechanism: loss of function.
Breast-ovarian cancer, familial, susceptibility to, 2 (BROVCA2). Also called: BRCA2 Hereditary Breast and Ovarian Cancer. Identifiers: Orphanet 145, MedGen C2675520, MONDO:0012933, OMIM 612555. Disease mechanism: loss of function.
Familial cancer of breast. Also called: Hereditary breast cancer; BREAST CANCER, FAMILIAL; hereditary breast carcinoma. Identifiers: Orphanet 227535, MedGen C0346153, MONDO:0016419, OMIM 114480. Disease mechanism: loss of function.

Allele frequency attached by ClinVar (database versions not stated): gnomAD 0.00001; TOPMed 0.00002.
gnomAD v4.1: 3 of 1,583,542 alleles (0.00019%); highest among the groups gnomAD compares: African/African-American, 0.0027%; no homozygotes.

Submissions (8):

Labcorp Genetics (formerly Invitae), Labcorp
Classification: Uncertain significance for Hereditary breast ovarian cancer syndrome. Last evaluated: 2026-01-19. Review status: criteria provided, single submitter. Criteria: Invitae Variant Classification Sherloc (09022015). Collection method: clinical testing. Allele origin: germline.
Comment: This sequence change replaces cysteine, which is neutral and slightly polar, with phenylalanine, which is neutral and non-polar, at codon 138 of the BRCA2 protein (p.Cys138Phe). This variant is not present in population databases (gnomAD no frequency). This variant has not been reported in the literature in individuals affected with BRCA2-related conditions. ClinVar contains an entry for this variant (Variation ID: 37882). Invitae Evidence Modeling of protein sequence and biophysical properties (such as structural, functional, and spatial information, amino acid conservation, physicochemical variation, residue mobility, and thermodynamic stability) indicates that this missense variant is not expected to disrupt BRCA2 protein function with a negative predictive value of 95%. In summary, the available evidence is currently insufficient to determine the role of this variant in disease. Therefore, it has been classified as a Variant of Uncertain Significance.

Ambry Genetics
Classification: Uncertain significance for Hereditary cancer-predisposing syndrome. Last evaluated: 2025-10-31. Review status: criteria provided, single submitter. Criteria: Ambry Variant Classification Scheme 2023. Collection method: clinical testing. Allele origin: germline.
Comment: The p.C138F variant (also known as c.413G>T), located in coding exon 3 of the BRCA2 gene, results from a G to T substitution at nucleotide position 413. The cysteine at codon 138 is replaced by phenylalanine, an amino acid with highly dissimilar properties. This amino acid position is not well conserved in available vertebrate species. In addition, this alteration is predicted to be tolerated by in silico analysis. Since supporting evidence is limited at this time, the clinical significance of this alteration remains unclear.

GeneDx
Classification: Uncertain significance. Last evaluated: 2025-06-20. Review status: criteria provided, single submitter. Criteria: GeneDx Variant Classification Process June 2021. Collection method: clinical testing. Allele origin: germline. Affected: yes.
Comment: Not observed at significant frequency in large population cohorts (gnomAD); In silico analysis suggests that this missense variant does not alter protein structure/function; Has not been previously published as pathogenic or benign to our knowledge; Also known as 641G>T; This variant is associated with the following publications: (PMID: 32377563, 29884841, 33471991)

Women's Health and Genetics/Laboratory Corporation of America, LabCorp
Classification: Uncertain significance. Last evaluated: 2024-11-12. Review status: criteria provided, single submitter. Criteria: LabCorp Variant Classification Summary - May 2015. Collection method: clinical testing. Allele origin: germline.
Comment: Variant summary: BRCA2 c.413G>T (p.Cys138Phe) results in a non-conservative amino acid change in the encoded protein sequence. Four of five in-silico tools predict a benign effect of the variant on protein function. The variant allele was found at a frequency of 4e-06 in 250262 control chromosomes. The available data on variant occurrences in the general population are insufficient to allow any conclusion about variant significance. To our knowledge, no occurrence of c.413G>T in individuals affected with Hereditary Breast And Ovarian Cancer Syndrome and no experimental evidence demonstrating its impact on protein function have been reported. ClinVar contains an entry for this variant (Variation ID: 37882). Based on the evidence outlined above, the variant was classified as uncertain significance.

Quest Diagnostics Nichols Institute San Juan Capistrano
Classification: Uncertain significance. Last evaluated: 2024-05-01. Review status: criteria provided, single submitter. Criteria: Quest Diagnostics criteria. Collection method: clinical testing. Allele origin: unknown.
Comment: The BRCA2 c.413G>T (p.Cys138Phe) variant has been reported in the published literature in an individual with breast cancer (PMID: 33471991 (2021), see also LOVD), as well as in individuals undergoing multigene panel testing (PMID: 31853058 (2020)). The frequency of this variant in the general population, 0.000004 (1/250262 chromosomes (Genome Aggregation Database)), is uninformative in the assessment of its pathogenicity. Analysis of this variant using bioinformatics tools for the prediction of the effect of amino acid changes on protein structure and function yielded predictions that this variant is benign. Based on the available information, we are unable to determine the clinical significance of this variant.

Baylor Genetics
Classification: Uncertain significance for Familial cancer of breast. Last evaluated: 2024-01-21. Review status: criteria provided, single submitter. Criteria: ACMG Guidelines, 2015. Collection method: clinical testing. Allele origin: unknown.

All of Us Research Program, National Institutes of Health
Classification: Uncertain significance for Breast-ovarian cancer, familial, susceptibility to, 2. Last evaluated: 2023-10-23. Review status: criteria provided, single submitter. Criteria: ACMG Guidelines, 2015. Collection method: clinical testing. Allele origin: germline. Inheritance: Autosomal dominant inheritance. Observed: 2 variant alleles, 2 heterozygotes.
Comment: This missense variant replaces cysteine with phenylalanine at codon 138 of the BRCA2 protein. Computational prediction suggests that this variant may not impact protein structure and function (internally defined REVEL score threshold <= 0.5, PMID: 27666373). To our knowledge, functional studies have not been reported for this variant. This variant has been reported in an individual affected with breast cancer (PMID: 33471991; Leiden Open Variation Database DB-ID BRCA2_007708). This variant has been identified in 1/250262 chromosomes in the general population by the Genome Aggregation Database (gnomAD). The available evidence is insufficient to determine the role of this variant in disease conclusively. Therefore, this variant is classified as a Variant of Uncertain Significance.

This study involves interpretation of variants in research participants for the purpose of population health screening. Participant phenotype was not available at the time of variant classification. Additional details can be found in publication PMID: 35346344, PMCID: PMC8962531

Sharing Clinical Reports Project (SCRP)
Classification: Uncertain significance for Breast-ovarian cancer, familial 2. Last evaluated: 2010-01-26. Review status: no assertion criteria provided. Collection method: clinical testing. Allele origin: germline. Not counted in ClinVar's aggregate classification.

Literature cited by the submitters: PubMed 31853058 (cited by Quest Diagnostics Nichols Institute San Juan Capistrano); PubMed 33471991 (cited by Quest Diagnostics Nichols Institute San Juan Capistrano and All of Us Research Program, National Institutes of Health).